The following is an entry in ClinVar:

ClinVar aggregate classification (germline): Likely benign (0 of 4 stars; one submission).

Conditions:
SHANK3-related disorder. Also called: SHANK3-related condition.

Allele frequency attached by ClinVar (database versions not stated): gnomAD 0.00005; TOPMed 0.00006; ExAC 0.00008; gnomAD exomes 0.00010.

Submission:

PreventionGenetics, part of Exact Sciences
Classification: Likely benign for SHANK3-related condition. Last evaluated: 2021-08-24. Review status: no assertion criteria provided. Collection method: clinical testing. Allele origin: germline.
Comment: This variant is classified as likely benign based on ACMG/AMP sequence variant interpretation guidelines (Richards et al. 2015 PMID: 25741868, with internal and published modifications).

NM_001372044.2(SHANK3):c.477C>T (p.Pro159=)

Gene: SHANK3 (SH3 and multiple ankyrin repeat domains 3; plus strand). Cytogenetic location: 22q13.33.
Variant type: single nucleotide variant.
Coding change: c.477C>T on transcript NM_001372044.2 (MANE Select); coding-DNA position 477, C replaced by T.
Protein change: p.Pro159=; no amino-acid change (proline 159 retained).
Molecular consequence: synonymous variant.
Genome position (GRCh38, 1-based): chr22:50,675,236, C>T. VCF-style: chr22-50675236-C-T. GRCh37 (hg19) VCF-style: chr22-51113664-C-T.
Other names: c.252C>T, p.Pro84= (NM_033517.1).
Identifiers: ClinVar variation 3030355 (VCV003030355.2), dbSNP rs781235180, ClinGen allele CA10325157.